The following is an entry in ClinVar:

ClinVar aggregate classification (germline): Likely benign (1 of 4 stars; one submission).

Allele frequency attached by ClinVar (database versions not stated): gnomAD 0.00537 and 0.00583; TOPMed 0.00568; 1000 Genomes Project 0.00639; 1000 Genomes Project 30x 0.00703.
gnomAD v4.1: 810 of 152,306 alleles (0.53%); highest among the groups gnomAD compares: African/African-American, 1.9%; 10 homozygotes.

Submission:

GeneDx
Classification: Likely benign. Last evaluated: 2018-06-19. Review status: criteria provided, single submitter. Criteria: GeneDx Variant Classification (06012015). Collection method: clinical testing. Allele origin: germline. Affected: yes.
Comment: This variant is considered likely benign or benign based on one or more of the following criteria: it is a conservative change, it occurs at a poorly conserved position in the protein, it is predicted to be benign by multiple in silico algorithms, and/or has population frequency not consistent with disease.

NM_001267550.2(TTN):c.30223+204C>T

Gene: TTN (titin; minus strand). Cytogenetic location: 2q31.2.
Variant type: single nucleotide variant.
Coding change: c.30223+204C>T on transcript NM_001267550.2 (MANE Select); 204 bases into the intron after coding-DNA position 30223, C replaced by T.
Molecular consequence: intron variant.
Genome position (GRCh38, 1-based): chr2:178,703,943, G>A on the plus strand (C>T on the coding strand, the complement: TTN is on the minus strand). VCF-style: chr2-178703943-G-A. GRCh37 (hg19) VCF-style: chr2-179568670-G-A.
Other names: c.13282+34139C>T (NM_003319.4); c.13858+34139C>T (NM_133437.4); c.13657+34139C>T (NM_133432.3); c.26491+204C>T (NM_133378.4); c.29272+204C>T (NM_001256850.1).
Identifiers: ClinVar variation 675333 (VCV000675333.1), dbSNP rs74950447, ClinGen allele CA60999038.
Genomic context (GRCh38, chr2:178,703,943, plus strand): 5'-CTTTAGACAGAAATAACTGTTAAAGATTATGTCTTAGACTAGATTAAAATCTAAAAGAAC[G>A]ATGCAAAAGAACTGACACTCATTTGAATATTTCCCTTGTGCTTTTGTATGAACTTTGAGA-3'